The following is an entry in ClinVar:

NM_000152.5(GAA):c.1447G>C (p.Gly483Arg)

Gene: GAA (alpha glucosidase; plus strand). Cytogenetic location: 17q25.3.
Variant type: single nucleotide variant.
Coding change: c.1447G>C on transcript NM_000152.5 (MANE Select); coding-DNA position 1447, G replaced by C.
Protein change: p.Gly483Arg; replaces glycine 483 with arginine.
Molecular consequence: missense variant.
Genome position (GRCh38, 1-based): chr17:80,110,736, G>C. VCF-style: chr17-80110736-G-C. GRCh37 (hg19) VCF-style: chr17-78084535-G-C.
Other names: c.1447G>C, p.Gly483Arg (NM_001079803.3, NM_001079804.3, NM_001406741.1 and 1 more transcripts); short protein forms G483R.
Identifiers: ClinVar variation 4068191 (VCV004068191.2).

ClinVar aggregate classification (germline): Likely pathogenic (1 of 4 stars; one submission).

Conditions:
Glycogen storage disease, type II (IOPD). Also called: CARDIOMEGALIA GLYCOGENICA DIFFUSA; GLYCOGENOSIS, GENERALIZED, CARDIAC FORM; GSD II; Glycogen storage disease type 2; Acid maltase deficiency disease; Aglucosidase alfa. Identifiers: Orphanet 365, MedGen C0017921, MONDO:0009290, OMIM 232300.

Submission:

Natera, Inc.
Classification: Likely pathogenic for Glycogen storage disease type II. Last evaluated: 2025-01-15. Review status: criteria provided, single submitter. Criteria: Natera Variant Classification Schema (03/2026). Collection method: clinical testing. Allele origin: germline.
Comment: The c.1447G>C variant in GAA is a missense variant predicted to cause substitution of glycine to arginine at amino acid 483. This variant is rare in the general population with a frequency below the threshold expected for the associated phenotype(s). Another variant at this same site results in an alteration predicted to cause a similar molecular effect has been observed in individual(s) with the associated phenotype. Computational prediction algorithms indicate this variant is likely to affect gene or protein function. Given the available evidence, this variant is classified as Likely Pathogenic.